The following is an entry in ClinVar:

NM_000642.3(AGL):c.594del (p.Gln199fs)

Gene: AGL (amylo-alpha-1,6-glucosidase and 4-alpha-glucanotransferase; plus strand). Cytogenetic location: 1p21.2.
Variant type: Deletion.
Coding change: c.594del on transcript NM_000642.3 (MANE Select); coding-DNA position 594, one base deleted (A; older notation c.594delA).
Protein change: p.Gln199fs; shifts the reading frame from glutamine 199.
Molecular consequence: frameshift variant. On other transcripts: intron variant (2).
Genome position (GRCh38, 1-based): chr1:99,864,519, A deleted. VCF-style (leftmost placement, unchanged base first): chr1-99864518-GA-G. GRCh37 (hg19) VCF-style: chr1-100330074-GA-G.
Other names: c.594del, p.Gln199fs (NM_000028.3, NM_000643.3, NM_000644.3 and 3 more transcripts); c.546del, p.Gln183fs (NM_000646.3); c.216del, p.Gln73fs (NM_001425332.1); c.460+2096del (NM_001425328.1, NM_001425329.1); c.594del (NM_000642.2); short protein forms Q183fs, Q199fs, Q73fs.
Identifiers: ClinVar variation 3653479 (VCV003653479.4).

ClinVar aggregate classification (germline): Pathogenic/Likely pathogenic. Review status: criteria provided, multiple submitters, no conflicts (2 of 4 stars). 2 submissions from 2 submitters: Pathogenic (1); Likely pathogenic (1). Last evaluated 2025-05-18.

Conditions:
Glycogen storage disease type III (GSD3). Also called: FORBES DISEASE; Cori disease. Identifiers: Orphanet 366, MedGen C0017922, MONDO:0009291, OMIM 232400.

Submissions (2):

Natera, Inc.
Classification: Likely pathogenic for Glycogen storage disease type III. Last evaluated: 2025-05-18. Review status: criteria provided, single submitter. Criteria: Natera Variant Classification Schema (03/2026). Collection method: clinical testing. Allele origin: germline.
Comment: The c.594del variant in AGL is a frameshift variant predicted to shift the reading frame beginning at codon 199 and leads to a stop codon 2 codons downstream. This variant is expected to result in nonsense mediated decay, truncation, or a dysfunctional protein product. This variant is rare in the general population with a frequency below the threshold expected for the associated phenotype(s). Given the available evidence, this variant is classified as Likely Pathogenic.

Labcorp Genetics (formerly Invitae), Labcorp
Classification: Pathogenic for Glycogen storage disease type III. Last evaluated: 2024-05-28. Review status: criteria provided, single submitter. Criteria: Invitae Variant Classification Sherloc (09022015). Collection method: clinical testing. Allele origin: germline.
Comment: This sequence change creates a premature translational stop signal (p.Gln199Serfs*2) in the AGL gene. It is expected to result in an absent or disrupted protein product. Loss-of-function variants in AGL are known to be pathogenic (PMID: 19299494). This variant is not present in population databases (gnomAD no frequency). This variant has not been reported in the literature in individuals affected with AGL-related conditions. Algorithms developed to predict the effect of sequence changes on RNA splicing suggest that this variant may disrupt the consensus splice site. For these reasons, this variant has been classified as Pathogenic.

Literature cited by the submitters: PubMed 19299494 (cited by Labcorp Genetics (formerly Invitae), Labcorp).